The following is an entry in ClinVar:

NM_020949.3(SLC7A14):c.109G>A (p.Glu37Lys)

Genes: SLC7A14 (solute carrier family 7 member 14; minus strand), SLC7A14-AS1 (SLC7A14 antisense RNA 1; plus strand). Cytogenetic location: 3q26.2.
Variant type: single nucleotide variant.
Coding change: c.109G>A on transcript NM_020949.3 (MANE Select); coding-DNA position 109, G replaced by A.
Protein change: p.Glu37Lys; replaces glutamic acid 37 with lysine.
Molecular consequence: missense variant.
Genome position (GRCh38, 1-based): chr3:170,526,828, C>T on the plus strand (G>A on the coding strand, the complement: SLC7A14 is on the minus strand). VCF-style: chr3-170526828-C-T. GRCh37 (hg19) VCF-style: chr3-170244617-C-T.
Other names: short protein forms E37K.
Identifiers: ClinVar variation 2987386 (VCV002987386.3), dbSNP rs541180595, ClinGen allele CA2702011.

ClinVar aggregate classification (germline): Uncertain significance (1 of 4 stars; one submission).

Allele frequency attached by ClinVar (database versions not stated): gnomAD 0.00001; gnomAD exomes 0.00003; ExAC 0.00004; 1000 Genomes Project 0.00020; 1000 Genomes Project 30x 0.00031.
gnomAD v4.1: 47 of 1,614,180 alleles (0.0029%); highest among the groups gnomAD compares: South Asian, 0.051%; 1 homozygote.

Submission:

Labcorp Genetics (formerly Invitae), Labcorp
Classification: Uncertain significance. Last evaluated: 2023-05-20. Review status: criteria provided, single submitter. Criteria: Invitae Variant Classification Sherloc (09022015). Collection method: clinical testing. Allele origin: germline.
Comment: This variant has not been reported in the literature in individuals affected with SLC7A14-related conditions. An algorithm developed to predict the effect of missense changes on protein structure and function (PolyPhen-2) suggests that this variant is likely to be tolerated. In summary, the available evidence is currently insufficient to determine the role of this variant in disease. Therefore, it has been classified as a Variant of Uncertain Significance. This variant is present in population databases (rs541180595, gnomAD 0.04%). This sequence change replaces glutamic acid, which is acidic and polar, with lysine, which is basic and polar, at codon 37 of the SLC7A14 protein (p.Glu37Lys).